The following is an entry in ClinVar:

ClinVar aggregate classification (germline): Pathogenic (1 of 4 stars; one submission).

Submission:

Labcorp Genetics (formerly Invitae), Labcorp
Classification: Pathogenic. Last evaluated: 2025-12-21. Review status: criteria provided, single submitter. Criteria: Invitae Variant Classification Sherloc (09022015). Collection method: clinical testing. Allele origin: germline.
Comment: This sequence change creates a premature translational stop signal (p.His810Glnfs*37) in the DOCK6 gene. It is expected to result in an absent or disrupted protein product. Loss-of-function variants in DOCK6 are known to be pathogenic (PMID: 21820096, 25824905). This variant is present in population databases (no rsID available, gnomAD 0.008%). This variant has not been reported in the literature in individuals affected with DOCK6-related conditions. For these reasons, this variant has been classified as Pathogenic.

Literature cited by the submitters: PubMed 21820096; PubMed 25824905.

NM_020812.4(DOCK6):c.2429dup (p.His810fs)

Gene: DOCK6 (dedicator of cytokinesis 6; minus strand). Cytogenetic location: 19p13.2.
Variant type: Duplication.
Coding change: c.2429dup on transcript NM_020812.4 (MANE Select); coding-DNA position 2429, one base duplicated (A; older notation c.2429dupA).
Protein change: p.His810fs; shifts the reading frame from histidine 810.
Molecular consequence: frameshift variant.
Genome position (GRCh38, 1-based): chr19:11,235,723, T duplicated on the plus strand (A on the coding strand, the reverse complement: DOCK6 is on the minus strand). VCF-style (leftmost placement, unchanged base first): chr19-11235722-A-AT. GRCh37 (hg19) VCF-style: chr19-11346398-A-AT.
Other names: c.2429dup, p.His810fs (NM_001367830.1); short protein forms H810fs.
Identifiers: ClinVar variation 4730483 (VCV004730483.1).